The following is an entry in ClinVar:

ClinVar aggregate classification (germline): Uncertain significance. Review status: criteria provided, multiple submitters, no conflicts (2 of 4 stars). 2 submissions from 2 submitters: Uncertain significance (2). Last evaluated 2022-07-07.

Conditions:
Hereditary spastic paraplegia 39 (SPG39). Also called: SPASTIC PARAPLEGIA 39, AUTOSOMAL RECESSIVE; Spastic Paraplegia Type 39 (SPG39). Identifiers: Orphanet 139480, MedGen C2677586, MONDO:0012787, OMIM 612020.

Allele frequency attached by ClinVar (database versions not stated): ExAC 0.00001; gnomAD 0.00001; gnomAD exomes 0.00002 and 0.00004; TOPMed 0.00005.

Submissions (2):

GeneDx
Classification: Uncertain significance. Last evaluated: 2022-07-07. Review status: criteria provided, single submitter. Criteria: GeneDx Variant Classification Process June 2021. Collection method: clinical testing. Allele origin: germline. Affected: yes.
Comment: Not observed at significant frequency in large population cohorts (gnomAD); In silico analysis supports that this missense variant has a deleterious effect on protein structure/function; Has not been previously published as pathogenic or benign to our knowledge

Labcorp Genetics (formerly Invitae), Labcorp
Classification: Uncertain significance for Hereditary spastic paraplegia 39. Last evaluated: 2021-08-11. Review status: criteria provided, single submitter. Criteria: Invitae Variant Classification Sherloc (09022015). Collection method: clinical testing. Allele origin: germline.
Comment: This sequence change replaces arginine with tryptophan at codon 241 of the PNPLA6 protein (p.Arg241Trp). The arginine residue is weakly conserved and there is a moderate physicochemical difference between arginine and tryptophan. This variant is present in population databases (rs779386400, ExAC 0.002%). This variant has not been reported in the literature in individuals affected with PNPLA6-related conditions. Algorithms developed to predict the effect of missense changes on protein structure and function are either unavailable or do not agree on the potential impact of this missense change (SIFT: "Deleterious"; PolyPhen-2: "Possibly Damaging"; Align-GVGD: "Class C0"). In summary, the available evidence is currently insufficient to determine the role of this variant in disease. Therefore, it has been classified as a Variant of Uncertain Significance.

NM_001166114.2(PNPLA6):c.838C>T (p.Arg280Trp)

Gene: PNPLA6 (patatin like domain 6, lysophospholipase; plus strand). Cytogenetic location: 19p13.2.
Variant type: single nucleotide variant.
Coding change: c.838C>T on transcript NM_001166114.2 (MANE Select); coding-DNA position 838, C replaced by T.
Protein change: p.Arg280Trp; replaces arginine 280 with tryptophan.
Molecular consequence: missense variant.
Genome position (GRCh38, 1-based): chr19:7,540,965, C>T. VCF-style: chr19-7540965-C-T. GRCh37 (hg19) VCF-style: chr19-7605851-C-T.
Other names: c.865C>T, p.Arg289Trp (NM_001166111.2); c.721C>T, p.Arg241Trp (NM_001166112.2, NM_001166113.1, NM_006702.5); short protein forms R241W, R280W, R289W.
Identifiers: ClinVar variation 1434146 (VCV001434146.4), dbSNP rs779386400, ClinGen allele CA9139590.